The following is an entry in ClinVar:

NM_025099.6(CTC1):c.1859G>A (p.Cys620Tyr)

Gene: CTC1 (CST telomere replication complex component 1; minus strand). Cytogenetic location: 17p13.1.
Variant type: single nucleotide variant.
Coding change: c.1859G>A on transcript NM_025099.6 (MANE Select); coding-DNA position 1859, G replaced by A.
Protein change: p.Cys620Tyr; replaces cysteine 620 with tyrosine.
Molecular consequence: missense variant. On other transcripts: non-coding transcript variant (1).
Genome position (GRCh38, 1-based): chr17:8,232,992, C>T on the plus strand (G>A on the coding strand, the complement: CTC1 is on the minus strand). VCF-style: chr17-8232992-C-T. GRCh37 (hg19) VCF-style: chr17-8136310-C-T.
Other names: short protein forms C620Y.
Identifiers: ClinVar variation 641923 (VCV000641923.5), dbSNP rs766985115, ClinGen allele CA8372245.

ClinVar aggregate classification (germline): Uncertain significance (1 of 4 stars; one submission).

Conditions:
Dyskeratosis congenita. Identifiers: Orphanet 1775, MedGen C0265965, MONDO:0015780.

Allele frequency attached by ClinVar (database versions not stated): TOPMed 0.00001.
gnomAD v4.1: 10 of 1,614,070 alleles (0.00062%); highest among the groups gnomAD compares: Non-Finnish European, 0.00085%; no homozygotes.

Submission:

Labcorp Genetics (formerly Invitae), Labcorp
Classification: Uncertain significance for Dyskeratosis congenita. Last evaluated: 2022-01-19. Review status: criteria provided, single submitter. Criteria: Invitae Variant Classification Sherloc (09022015). Collection method: clinical testing. Allele origin: germline.
Comment: In summary, the available evidence is currently insufficient to determine the role of this variant in disease. Therefore, it has been classified as a Variant of Uncertain Significance. Algorithms developed to predict the effect of missense changes on protein structure and function output the following: SIFT: "Tolerated"; PolyPhen-2: "Benign"; Align-GVGD: "Class C0". The tyrosine amino acid residue is found in multiple mammalian species, which suggests that this missense change does not adversely affect protein function. ClinVar contains an entry for this variant (Variation ID: 641923). This variant has not been reported in the literature in individuals affected with CTC1-related conditions. This variant is present in population databases (rs766985115, gnomAD 0.004%). This sequence change replaces cysteine, which is neutral and slightly polar, with tyrosine, which is neutral and polar, at codon 620 of the CTC1 protein (p.Cys620Tyr).